The following is an entry in ClinVar:

ClinVar aggregate classification (germline): Uncertain significance (1 of 4 stars; one submission).

Submission:

Labcorp Genetics (formerly Invitae), Labcorp
Classification: Uncertain significance. Last evaluated: 2022-06-27. Review status: criteria provided, single submitter. Criteria: Invitae Variant Classification Sherloc (09022015). Collection method: clinical testing. Allele origin: germline.
Comment: This sequence change creates a premature translational stop signal (p.Gln119Alafs*8) in the FZD2 gene. While this is not anticipated to result in nonsense mediated decay, it is expected to disrupt the last 447 amino acid(s) of the FZD2 protein. In summary, the available evidence is currently insufficient to determine the role of this variant in disease. Therefore, it has been classified as a Variant of Uncertain Significance. Experimental studies and prediction algorithms are not available or were not evaluated, and the functional significance of this variant is currently unknown. This variant has not been reported in the literature in individuals affected with FZD2-related conditions. This variant is not present in population databases (gnomAD no frequency).

NM_001466.4(FZD2):c.353_354dup (p.Gln119fs)

Gene: FZD2 (frizzled class receptor 2; plus strand). Cytogenetic location: 17q21.31.
Variant type: Microsatellite.
Coding change: c.353_354dup on transcript NM_001466.4 (MANE Select); coding-DNA positions 353 to 354, 2 bases duplicated (GC; older notation c.353_354dupGC).
Protein change: p.Gln119fs; shifts the reading frame from glutamine 119.
Molecular consequence: frameshift variant.
Genome position (GRCh38, 1-based): chr17:44,558,041-44,558,042, GC duplicated; duplicating any 2 consecutive bases within chr17:44,558,033-44,558,042 gives the same sequence; the c. name uses the placement nearest the transcript's 3' end. VCF-style (leftmost placement, unchanged base first): chr17-44558032-A-AGC. GRCh37 (hg19) VCF-style: chr17-42635400-A-AGC.
Other names: short protein forms Q119fs.
Identifiers: ClinVar variation 1476464 (VCV001476464.6), dbSNP rs1970847012, ClinGen allele CA2261449918.